The following is an entry in ClinVar:

NM_004260.4(RECQL4):c.1031G>A (p.Arg344Gln)

Gene: RECQL4 (RecQ like helicase 4; minus strand). Cytogenetic location: 8q24.3.
Variant type: single nucleotide variant.
Coding change: c.1031G>A on transcript NM_004260.4 (MANE Select); coding-DNA position 1031, G replaced by A.
Protein change: p.Arg344Gln; replaces arginine 344 with glutamine.
Molecular consequence: missense variant.
Genome position (GRCh38, 1-based): chr8:144,516,088, C>T on the plus strand (G>A on the coding strand, the complement: RECQL4 is on the minus strand). VCF-style: chr8-144516088-C-T. GRCh37 (hg19) VCF-style: chr8-145741472-C-T.
Other names: short protein forms R344Q.
Identifiers: ClinVar variation 406959 (VCV000406959.8), dbSNP rs745874353, ClinGen allele CA4949107.

ClinVar aggregate classification (germline): Uncertain significance. Review status: criteria provided, multiple submitters, no conflicts (2 of 4 stars). 2 submissions from 2 submitters: Uncertain significance (2). Last evaluated 2025-05-20.

Conditions:
Baller-Gerold syndrome (BGS). Also called: CRANIOSYNOSTOSIS WITH RADIAL DEFECTS. Identifiers: Orphanet 1225, MedGen C0265308, MONDO:0009039, OMIM 218600.

Allele frequency attached by ClinVar (database versions not stated): gnomAD 0.00003 and 0.00004; gnomAD exomes 0.00002; ExAC 0.00001; TOPMed 0.00002.
gnomAD v4.1: 42 of 1,612,568 alleles (0.0026%); highest among the groups gnomAD compares: Middle Eastern, 0.016%; no homozygotes.

Submissions (2):

Dasa
Classification: Uncertain significance. Last evaluated: 2025-05-20. Review status: criteria provided, single submitter. Criteria: DASA Assertion Criteria. Collection method: clinical testing. Allele origin: germline.
Comment: NM_004260.4(RECQL4):c.1031G>A (p.Arg344Gln) is a missense variant that results in the substitution of arginine with glutamine. This variant is rare in population databases. Computational prediction algorithms are consistent with a deleterious effect. The currently available literature and clinical evidence are not sufficient to establish a definitive association between this variant and the reported condition. Therefore, this variant is classified as a variant of uncertain significance.

Labcorp Genetics (formerly Invitae), Labcorp
Classification: Uncertain significance for Baller-Gerold syndrome. Last evaluated: 2023-12-27. Review status: criteria provided, single submitter. Criteria: Invitae Variant Classification Sherloc (09022015). Collection method: clinical testing. Allele origin: germline.
Comment: This sequence change replaces arginine, which is basic and polar, with glutamine, which is neutral and polar, at codon 344 of the RECQL4 protein (p.Arg344Gln). This variant is present in population databases (rs745874353, gnomAD 0.005%). This variant has not been reported in the literature in individuals affected with RECQL4-related conditions. ClinVar contains an entry for this variant (Variation ID: 406959). Advanced modeling of protein sequence and biophysical properties (such as structural, functional, and spatial information, amino acid conservation, physicochemical variation, residue mobility, and thermodynamic stability) performed at Invitae indicates that this missense variant is not expected to disrupt RECQL4 protein function with a negative predictive value of 80%. Algorithms developed to predict the effect of sequence changes on RNA splicing suggest that this variant may create or strengthen a splice site. In summary, the available evidence is currently insufficient to determine the role of this variant in disease. Therefore, it has been classified as a Variant of Uncertain Significance.